The following is an entry in ClinVar:

NM_182961.4(SYNE1):c.8737G>T (p.Ala2913Ser)

Genes: SYNE1 (spectrin repeat containing nuclear envelope protein 1; minus strand), SYNE1-AS1 (SYNE1 antisense RNA 1; plus strand). Cytogenetic location: 6q25.2.
Variant type: single nucleotide variant.
Coding change: c.8737G>T on transcript NM_182961.4 (MANE Select); coding-DNA position 8737, G replaced by T.
Protein change: p.Ala2913Ser; replaces alanine 2913 with serine.
Molecular consequence: missense variant. On other transcripts: non-coding transcript variant (1).
Genome position (GRCh38, 1-based): chr6:152,381,278, C>A on the plus strand (G>T on the coding strand, the complement: SYNE1 is on the minus strand). VCF-style: chr6-152381278-C-A. GRCh37 (hg19) VCF-style: chr6-152702413-C-A.
Other names: c.8758G>T (NM_033071.3); c.8758G>T, p.Ala2920Ser (NM_033071.5); short protein forms A2913S, A2920S.
Identifiers: ClinVar variation 286224 (VCV000286224.13), dbSNP rs151300068, ClinGen allele CA4057469.

ClinVar aggregate classification (germline): Uncertain significance. Review status: criteria provided, multiple submitters, no conflicts (2 of 4 stars). 4 submissions from 4 submitters: Uncertain significance (4). Last evaluated 2025-02-08.

Conditions:
Autosomal recessive ataxia, Beauce type. Also called: Spinocerebellar ataxia, autosomal recessive 8; ATAXIA, RECESSIVE, OF BEAUCE; SYNE1 Deficiency; SYNE1-Related Autosomal Recessive Cerebellar Ataxia. Identifiers: Orphanet 88644, MedGen C1853116, MONDO:0012549, OMIM 610743.
Emery-Dreifuss muscular dystrophy 4, autosomal dominant (EDMD4). Also called: EMERY-DREIFUSS MUSCULAR DYSTROPHY 4 WITH VARIABLE FEATURES. Identifiers: Orphanet 261, MedGen C2751807, MONDO:0013071, OMIM 612998.

Allele frequency attached by ClinVar (database versions not stated): ExAC 0.00003; gnomAD exomes 0.00003; TOPMed 0.00013; ESP Exome Variant Server 0.00015; gnomAD 0.00016 and 0.00017.
gnomAD v4.1: 40 of 1,614,236 alleles (0.0025%); highest among the groups gnomAD compares: African/African-American, 0.047%; no homozygotes.

Submissions (4):

Labcorp Genetics (formerly Invitae), Labcorp
Classification: Uncertain significance for Emery-Dreifuss muscular dystrophy 4, autosomal dominant; Autosomal recessive ataxia, Beauce type. Last evaluated: 2025-02-08. Review status: criteria provided, single submitter. Criteria: Invitae Variant Classification Sherloc (09022015). Collection method: clinical testing. Allele origin: germline.
Comment: This sequence change replaces alanine, which is neutral and non-polar, with serine, which is neutral and polar, at codon 2920 of the SYNE1 protein (p.Ala2920Ser). This variant is present in population databases (rs151300068, gnomAD 0.05%). This variant has not been reported in the literature in individuals affected with SYNE1-related conditions. ClinVar contains an entry for this variant (Variation ID: 286224). An algorithm developed to predict the effect of missense changes on protein structure and function (PolyPhen-2) suggests that this variant is likely to be tolerated. In summary, the available evidence is currently insufficient to determine the role of this variant in disease. Therefore, it has been classified as a Variant of Uncertain Significance.

GeneDx
Classification: Uncertain significance. Last evaluated: 2025-01-13. Review status: criteria provided, single submitter. Criteria: GeneDx Variant Classification Process June 2021. Collection method: clinical testing. Allele origin: germline. Affected: yes.
Comment: In silico analysis indicates that this missense variant does not alter protein structure/function; Has not been previously published as pathogenic or benign to our knowledge

Revvity Omics, Revvity
Classification: Uncertain significance. Last evaluated: 2020-06-09. Review status: criteria provided, single submitter. Criteria: ACMG Guidelines, 2015. Collection method: clinical testing. Allele origin: germline.

Eurofins Ntd Llc (ga)
Classification: Uncertain significance. Last evaluated: 2016-02-23. Review status: criteria provided, single submitter. Criteria: EGL Classification Definitions 2015. Collection method: clinical testing. Allele origin: germline. Observed: 1 variant allele, 1 heterozygote.